The following is an entry in ClinVar:

ClinVar aggregate classification (germline): Uncertain significance (1 of 4 stars; one submission).

Allele frequency attached by ClinVar (database versions not stated): gnomAD exomes below 0.00001; TOPMed below 0.00001.
gnomAD v4.1: 1 of 1,614,088 alleles (0.000062%); highest among the groups gnomAD compares: Admixed American, 0.0017%; no homozygotes.

Submission:

Labcorp Genetics (formerly Invitae), Labcorp
Classification: Uncertain significance. Last evaluated: 2025-10-14. Review status: criteria provided, single submitter. Criteria: Invitae Variant Classification Sherloc (09022015). Collection method: clinical testing. Allele origin: germline.
Comment: This sequence change replaces alanine, which is neutral and non-polar, with threonine, which is neutral and polar, at codon 2512 of the KMT2A protein (p.Ala2512Thr). This variant is present in population databases (no rsID available, gnomAD 0.003%). This variant has not been reported in the literature in individuals affected with KMT2A-related conditions. ClinVar contains an entry for this variant (Variation ID: 2972785). Invitae Evidence Modeling of protein sequence and biophysical properties (such as structural, functional, and spatial information, amino acid conservation, physicochemical variation, residue mobility, and thermodynamic stability) indicates that this missense variant is not expected to disrupt KMT2A protein function with a negative predictive value of 95%. In summary, the available evidence is currently insufficient to determine the role of this variant in disease. Therefore, it has been classified as a Variant of Uncertain Significance.

NM_001197104.2(KMT2A):c.7534G>A (p.Ala2512Thr)

Gene: KMT2A (lysine methyltransferase 2A; plus strand). Cytogenetic location: 11q23.3.
Variant type: single nucleotide variant.
Coding change: c.7534G>A on transcript NM_001197104.2 (MANE Select); coding-DNA position 7534, G replaced by A.
Protein change: p.Ala2512Thr; replaces alanine 2512 with threonine.
Molecular consequence: missense variant.
Genome position (GRCh38, 1-based): chr11:118,503,426, G>A. VCF-style: chr11-118503426-G-A. GRCh37 (hg19) VCF-style: chr11-118374141-G-A.
Other names: c.7624G>A, p.Ala2542Thr (NM_001412597.1); c.7525G>A, p.Ala2509Thr (NM_005933.4); short protein forms A2509T, A2512T, A2542T.
Identifiers: ClinVar variation 2972785 (VCV002972785.3), dbSNP rs1314636947, ClinGen allele CA382805930.